The following is an entry in ClinVar:

NM_012478.4(WBP2):c.172A>G (p.Ile58Val)

Gene: WBP2 (WW domain binding protein 2; minus strand). Cytogenetic location: 17q25.1.
Variant type: single nucleotide variant.
Coding change: c.172A>G on transcript NM_012478.4 (MANE Select); coding-DNA position 172, A replaced by G.
Protein change: p.Ile58Val; replaces isoleucine 58 with valine.
Molecular consequence: missense variant.
Genome position (GRCh38, 1-based): chr17:75,849,736, T>C on the plus strand (A>G on the coding strand, the complement: WBP2 is on the minus strand). VCF-style: chr17-75849736-T-C. GRCh37 (hg19) VCF-style: chr17-73845817-T-C.
Other names: c.172A>G, p.Ile58Val (NM_001330499.2, NM_001348170.1); short protein forms I58V.
Identifiers: ClinVar variation 1369126 (VCV001369126.8), dbSNP rs2143923749, ClinGen allele CA401127580.
Genomic context (GRCh38, chr17:75,849,736, plus strand): 5'-TCATGAGATAAAATGGCATCATGAAGGACTGCATGGCATCCTTGCCCTTGGACAGAAAGA[T>C]GACCTGCAGGGAGAGAGGGTGAGGCCATCAGTACTAGAAGCACAGCCCACGCTGCCATGC-3'
Protein context (NP_036610.2, residues 48-68): GTVYLTPYRV[Ile58Val]FLSKGKDAMQ

ClinVar aggregate classification (germline): Uncertain significance (1 of 4 stars; one submission).

Allele frequency attached by ClinVar (database versions not stated): gnomAD exomes below 0.00001.
gnomAD v4.1: 1 of 1,614,034 alleles (0.000062%); highest among the groups gnomAD compares: Non-Finnish European, 0.000085%; no homozygotes.

Submission:

Labcorp Genetics (formerly Invitae), Labcorp
Classification: Uncertain significance. Last evaluated: 2021-07-22. Review status: criteria provided, single submitter. Criteria: Invitae Variant Classification Sherloc (09022015). Collection method: clinical testing. Allele origin: germline.
Comment: This sequence change replaces isoleucine with valine at codon 58 of the WBP2 protein (p.Ile58Val). The isoleucine residue is highly conserved and there is a small physicochemical difference between isoleucine and valine. This variant is not present in population databases (ExAC no frequency). This variant has not been reported in the literature in individuals affected with WBP2-related conditions. Algorithms developed to predict the effect of missense changes on protein structure and function (SIFT, PolyPhen-2, Align-GVGD) all suggest that this variant is likely to be tolerated. In summary, the available evidence is currently insufficient to determine the role of this variant in disease. Therefore, it has been classified as a Variant of Uncertain Significance.